The following is an entry in ClinVar:

ClinVar aggregate classification (germline): Likely benign. Review status: criteria provided, multiple submitters, no conflicts (2 of 4 stars). 2 submissions from 2 submitters: Likely benign (2). Last evaluated 2023-10-04.

Conditions:
Diastrophic dysplasia (DTD). Also called: Diastrophic dwarfism. Identifiers: Orphanet 628, MedGen C0220726, MONDO:0009107, OMIM 222600.
Achondrogenesis, type IB (ACG1B). Also called: Achondrogenesis Type 1B. Identifiers: Orphanet 932, Orphanet 93298, MedGen C0265274, MONDO:0010966, OMIM 600972.
Atelosteogenesis type II (AO2). Also called: Neonatal osseous dysplasia 1; SLC26A2-Related Atelosteogenesis; NEONATAL OSSEOUS DYSPLASIA I. Identifiers: Orphanet 56304, MedGen C1850554, MONDO:0009727, OMIM 256050.
Multiple epiphyseal dysplasia type 4 (EDM4). Also called: Multiple Epiphyseal Dysplasia, Recessive; SLC26A2-Related Multiple Epiphyseal Dysplasia; MULTIPLE EPIPHYSEAL DYSPLASIA WITH BILAYERED PATELLAE; MULTIPLE EPIPHYSEAL DYSPLASIA WITH CLUBFOOT; MULTIPLE EPIPHYSEAL DYSPLASIA, AUTOSOMAL RECESSIVE. Identifiers: Orphanet 93307, MedGen C1847593, MONDO:0009189, OMIM 226900.

Allele frequency attached by ClinVar (database versions not stated): gnomAD exomes below 0.00001 and 0.00001; ExAC 0.00001; gnomAD 0.00001; TOPMed 0.00002.
gnomAD v4.1: 3 of 1,613,864 alleles (0.00019%); highest among the groups gnomAD compares: African/African-American, 0.004%; no homozygotes.

Submissions (2):

Labcorp Genetics (formerly Invitae), Labcorp
Classification: Likely benign for Atelosteogenesis type II; Multiple epiphyseal dysplasia type 4; Achondrogenesis, type IB; Diastrophic dysplasia. Last evaluated: 2023-10-04. Review status: criteria provided, single submitter. Criteria: Invitae Variant Classification Sherloc (09022015). Collection method: clinical testing. Allele origin: germline.

ARUP Laboratories, Molecular Genetics and Genomics, ARUP Laboratories
Classification: Likely benign. Last evaluated: 2018-06-26. Review status: criteria provided, single submitter. Criteria: ARUP Molecular Germline Variant Investigation Process. Collection method: clinical testing. Allele origin: germline.
Comment: The SLC26A2 c.114C>T; p.Asp38Asp variant (rs779527254), to our knowledge, is not reported in the medical literature or in gene-specific databases, but is observed on 2 alleles in the Genome Aggregation Database. This is a synonymous variant at a nucleotide that is weakly conserved, and computational algorithms (Alamut v.2.11) predict no impact on splicing. Based on available information, this variant is considered likely benign.

NM_000112.4(SLC26A2):c.114C>T (p.Asp38=)

Gene: SLC26A2 (solute carrier family 26 member 2; plus strand). Cytogenetic location: 5q32.
Variant type: single nucleotide variant.
Coding change: c.114C>T on transcript NM_000112.4 (MANE Select); coding-DNA position 114, C replaced by T.
Protein change: p.Asp38=; no amino-acid change (aspartic acid 38 retained).
Molecular consequence: synonymous variant.
Genome position (GRCh38, 1-based): chr5:149,977,766, C>T. VCF-style: chr5-149977766-C-T. GRCh37 (hg19) VCF-style: chr5-149357329-C-T.
Identifiers: ClinVar variation 618366 (VCV000618366.16), dbSNP rs779527254, ClinGen allele CA3505202.